The following is an entry in ClinVar:

ClinVar aggregate classification (germline): Uncertain significance (1 of 4 stars; one submission).

Conditions:
Hereditary cancer-predisposing syndrome. Also called: Neoplastic Syndromes, Hereditary; Tumor predisposition; Hereditary Cancer Syndrome; Hereditary neoplastic syndrome. Identifiers: Orphanet 140162, MedGen C0027672, MeSH D009386, MONDO:0015356.

Submission:

Ambry Genetics
Classification: Uncertain significance for Hereditary cancer-predisposing syndrome. Last evaluated: 2022-09-17. Review status: criteria provided, single submitter. Criteria: Ambry Variant Classification Scheme 2023. Collection method: clinical testing. Allele origin: germline.
Comment: The p.S977G variant (also known as c.2929A>G), located in coding exon 17 of the RET gene, results from an A to G substitution at nucleotide position 2929. The serine at codon 977 is replaced by glycine, an amino acid with similar properties. This amino acid position is conserved. In addition, this alteration is predicted to be deleterious by in silico analysis. Since supporting evidence is limited at this time, the clinical significance of this alteration remains unclear.

NM_020975.6(RET):c.2929A>G (p.Ser977Gly)

Gene: RET (ret proto-oncogene; plus strand). Cytogenetic location: 10q11.21.
Variant type: single nucleotide variant.
Coding change: c.2929A>G on transcript NM_020975.6 (MANE Select); coding-DNA position 2929, A replaced by G.
Protein change: p.Ser977Gly; replaces serine 977 with glycine.
Molecular consequence: missense variant.
Genome position (GRCh38, 1-based): chr10:43,123,798, A>G. VCF-style: chr10-43123798-A-G. GRCh37 (hg19) VCF-style: chr10-43619246-A-G.
Other names: c.2929A>G, p.Ser977Gly (NM_000323.2, NM_001406743.1, NM_001406744.1 and 4 more transcripts); c.2167A>G, p.Ser723Gly (NM_001355216.2); c.2800A>G, p.Ser934Gly (NM_001406761.1, NM_001406762.1, NM_001406764.1); c.2794A>G, p.Ser932Gly (NM_001406763.1, NM_001406765.1); c.2641A>G, p.Ser881Gly (NM_001406766.1, NM_001406767.1, NM_001406770.1); c.2665A>G, p.Ser889Gly (NM_001406768.1); c.2533A>G, p.Ser845Gly (NM_001406769.1, NM_001406772.1); c.2491A>G, p.Ser831Gly (NM_001406771.1, NM_001406773.1); and 10 more; short protein forms S542G, S638G, S735G, S802G, S889G, S977G, S582G, S633G.
Identifiers: ClinVar variation 1797772 (VCV001797772.2), dbSNP rs2538617281, ClinGen allele CA376557984.